The following is an entry in ClinVar:

NM_001080414.4(CCDC88C):c.2448C>T (p.Ala816=)

Gene: CCDC88C (coiled-coil and HOOK domain protein 88C; minus strand). Cytogenetic location: 14q32.11.
Variant type: single nucleotide variant.
Coding change: c.2448C>T on transcript NM_001080414.4 (MANE Select); coding-DNA position 2448, C replaced by T.
Protein change: p.Ala816=; no amino-acid change (alanine 816 retained).
Molecular consequence: synonymous variant.
Genome position (GRCh38, 1-based): chr14:91,313,368, G>A on the plus strand (C>T on the coding strand, the complement: CCDC88C is on the minus strand). VCF-style: chr14-91313368-G-A. GRCh37 (hg19) VCF-style: chr14-91779712-G-A.
Other names: c.2448C>T (NM_001080414.3).
Identifiers: ClinVar variation 2865003 (VCV002865003.5), dbSNP rs767758095, ClinGen allele CA7309647.

ClinVar aggregate classification (germline): Likely benign. Review status: criteria provided, single submitter (1 of 4 stars). 2 submissions from 2 submitters: Likely benign (1). 1 of the submissions does not count toward it. Last evaluated 2024-02-19.

Conditions:
CCDC88C-related disorder. Also called: CCDC88C-Related Disorders; CCDC88C-related condition.

Allele frequency attached by ClinVar (database versions not stated): ExAC 0.00001; gnomAD 0.00001.
gnomAD v4.1: 11 of 1,610,450 alleles (0.00068%); highest among the groups gnomAD compares: African/African-American, 0.0027%; no homozygotes.

Submissions (2):

Labcorp Genetics (formerly Invitae), Labcorp
Classification: Likely benign. Last evaluated: 2024-02-19. Review status: criteria provided, single submitter. Criteria: Invitae Variant Classification Sherloc (09022015). Collection method: clinical testing. Allele origin: germline.

PreventionGenetics, part of Exact Sciences
Classification: Likely benign for CCDC88C-related condition. Last evaluated: 2019-09-06. Review status: no assertion criteria provided. Collection method: clinical testing. Allele origin: germline. Not counted in ClinVar's aggregate classification.
Comment: This variant is classified as likely benign based on ACMG/AMP sequence variant interpretation guidelines (Richards et al. 2015 PMID: 25741868, with internal and published modifications).